The following is an entry in ClinVar:

NM_000540.3(RYR1):c.14728T>A (p.Tyr4910Asn)

Gene: RYR1 (ryanodine receptor 1; plus strand). Cytogenetic location: 19q13.2.
Variant type: single nucleotide variant.
Coding change: c.14728T>A on transcript NM_000540.3 (MANE Select); coding-DNA position 14728, T replaced by A.
Protein change: p.Tyr4910Asn; replaces tyrosine 4910 with asparagine.
Molecular consequence: missense variant.
Genome position (GRCh38, 1-based): chr19:38,585,024, T>A. VCF-style: chr19-38585024-T-A. GRCh37 (hg19) VCF-style: chr19-39075664-T-A.
Other names: c.14713T>A, p.Tyr4905Asn (NM_001042723.2); short protein forms Y4905N, Y4910N.
Identifiers: ClinVar variation 1496742 (VCV001496742.3), dbSNP rs753961701, ClinGen allele CA081306.

ClinVar aggregate classification (germline): Uncertain significance (1 of 4 stars; one submission).

Conditions:
RYR1-related disorder. Also called: RYR1-related condition; RYR1-related disorders. Identifiers: MedGen CN239331.

Allele frequency attached by ClinVar (database versions not stated): gnomAD exomes 0.00001 and 0.00002; ExAC 0.00002.
gnomAD v4.1: 4 of 1,614,016 alleles (0.00025%); highest among the groups gnomAD compares: Admixed American, 0.0067%; no homozygotes.

Submission:

Labcorp Genetics (formerly Invitae), Labcorp
Classification: Uncertain significance for RYR1-related disorder. Last evaluated: 2022-08-16. Review status: criteria provided, single submitter. Criteria: Invitae Variant Classification Sherloc (09022015). Collection method: clinical testing. Allele origin: germline.
Comment: This sequence change replaces tyrosine, which is neutral and polar, with asparagine, which is neutral and polar, at codon 4910 of the RYR1 protein (p.Tyr4910Asn). This variant is present in population databases (rs753961701, gnomAD 0.009%). This variant has not been reported in the literature in individuals affected with RYR1-related conditions. ClinVar contains an entry for this variant (Variation ID: 1496742). Advanced modeling of protein sequence and biophysical properties (such as structural, functional, and spatial information, amino acid conservation, physicochemical variation, residue mobility, and thermodynamic stability) performed at Invitae indicates that this missense variant is expected to disrupt RYR1 protein function. In summary, the available evidence is currently insufficient to determine the role of this variant in disease. Therefore, it has been classified as a Variant of Uncertain Significance.